The following is an entry in ClinVar:

NM_001042492.3(NF1):c.4520T>C (p.Leu1507Ser)

Gene: NF1 (neurofibromin 1; plus strand). Cytogenetic location: 17q11.2.
Variant type: single nucleotide variant.
Coding change: c.4520T>C on transcript NM_001042492.3 (MANE Select); coding-DNA position 4520, T replaced by C.
Protein change: p.Leu1507Ser; replaces leucine 1507 with serine.
Molecular consequence: missense variant.
Genome position (GRCh38, 1-based): chr17:31,260,458, T>C. VCF-style: chr17-31260458-T-C. GRCh37 (hg19) VCF-style: chr17-29587476-T-C.
Other names: c.4457T>C, p.Leu1486Ser (NM_000267.4); short protein forms L1507S, L1486S.
Identifiers: ClinVar variation 484133 (VCV000484133.6), dbSNP rs1135402863, ClinGen allele CA398999654.

ClinVar aggregate classification (germline): Uncertain significance. Review status: criteria provided, multiple submitters, no conflicts (2 of 4 stars). 2 submissions from 2 submitters: Uncertain significance (2). Last evaluated 2023-04-10.

Conditions:
Cardiovascular phenotype. Identifiers: MedGen CN230736.
Hereditary cancer-predisposing syndrome. Also called: Neoplastic Syndromes, Hereditary; Tumor predisposition; Hereditary Cancer Syndrome; Hereditary neoplastic syndrome. Identifiers: Orphanet 140162, MedGen C0027672, MeSH D009386, MONDO:0015356.

Allele frequency attached by ClinVar (database versions not stated): gnomAD exomes below 0.00001.
gnomAD v4.1: 1 of 1,614,082 alleles (0.000062%); highest among the groups gnomAD compares: Non-Finnish European, 0.000085%; no homozygotes.

Submissions (2):

GeneDx
Classification: Uncertain significance. Last evaluated: 2023-04-10. Review status: criteria provided, single submitter. Criteria: GeneDx Variant Classification Process June 2021. Collection method: clinical testing. Allele origin: germline. Affected: yes.
Comment: Not observed at significant frequency in large population cohorts (gnomAD); In silico analysis supports that this missense variant has a deleterious effect on protein structure/function; Has not been previously published as pathogenic or benign to our knowledge; This variant is associated with the following publications: (PMID: 22807134)

Ambry Genetics
Classification: Uncertain significance for Cardiovascular phenotype; Hereditary cancer-predisposing syndrome. Last evaluated: 2017-06-02. Review status: criteria provided, single submitter. Criteria: Ambry Variant Classification Scheme 2023. Collection method: clinical testing. Allele origin: germline.
Comment: The p.L1486S variant (also known as c.4457T>C), located in coding exon 33 of the NF1 gene, results from a T to C substitution at nucleotide position 4457. The leucine at codon 1486 is replaced by serine, an amino acid with dissimilar properties. This amino acid position is highly conserved in available vertebrate species. In addition, this alteration is predicted to be deleterious by in silico analysis. Since supporting evidence is limited at this time, the clinical significance of this alteration remains unclear.